The following is an entry in ClinVar:

ClinVar aggregate classification (germline): Uncertain significance. Review status: criteria provided, multiple submitters, no conflicts (2 of 4 stars). 3 submissions from 3 submitters: Uncertain significance (3). Last evaluated 2025-06-11.

Submissions (3):

GeneDx
Classification: Uncertain significance. Last evaluated: 2025-06-11. Review status: criteria provided, single submitter. Criteria: GeneDx Variant Classification Process June 2021. Collection method: clinical testing. Allele origin: germline. Affected: yes.
Comment: Not observed at significant frequency in large population cohorts (gnomAD); In silico analysis supports that this missense variant has a deleterious effect on protein structure/function; Has not been previously published as pathogenic or benign to our knowledge

Greenwood Genetic Center Diagnostic Laboratories, Greenwood Genetic Center
Classification: Uncertain significance. Last evaluated: 2024-10-22. Review status: criteria provided, single submitter. Criteria: ACMG Guidelines, 2015. Collection method: clinical testing. Allele origin: germline. Affected: yes.
Comment: PM2, PP2

Blueprint Genetics
Classification: Uncertain significance. Last evaluated: 2021-10-21. Review status: criteria provided, single submitter. Criteria: ACMG Guidelines, 2015. Collection method: clinical testing. Allele origin: germline.

NM_001005273.3(CHD3):c.3563C>T (p.Ala1188Val)

Gene: CHD3 (chromodomain helicase DNA binding protein 3; plus strand). Cytogenetic location: 17p13.1.
Variant type: single nucleotide variant.
Coding change: c.3563C>T on transcript NM_001005273.3 (MANE Select); coding-DNA position 3563, C replaced by T.
Protein change: p.Ala1188Val; replaces alanine 1188 with valine.
Molecular consequence: missense variant.
Genome position (GRCh38, 1-based): chr17:7,903,339, C>T. VCF-style: chr17-7903339-C-T. GRCh37 (hg19) VCF-style: chr17-7806657-C-T.
Other names: c.3740C>T, p.Ala1247Val (NM_001005271.3); c.3563C>T, p.Ala1188Val (NM_005852.4); c.3740C>T (NM_001005271.2); short protein forms A1188V, A1247V.
Identifiers: ClinVar variation 3765720 (VCV003765720.3).